The following is an entry in ClinVar:

ClinVar aggregate classification (germline): Uncertain significance (1 of 4 stars; one submission).

Submission:

GeneDx
Classification: Uncertain significance. Last evaluated: 2025-07-29. Review status: criteria provided, single submitter. Criteria: GeneDx Variant Classification Process June 2021. Collection method: clinical testing. Allele origin: germline. Affected: yes.
Comment: Not observed at significant frequency in large population cohorts (gnomAD); In silico analysis supports that this missense variant has a deleterious effect on protein structure/function; Has not been previously published as pathogenic or benign to our knowledge; This variant is associated with the following publications: (PMID: 20619386, 18034775)

NM_005188.4(CBL):c.178T>G (p.Trp60Gly)

Genes: CBL (Cbl proto-oncogene; plus strand), LOC130006895 (ATAC-STARR-seq lymphoblastoid silent region 3975; plus strand). Cytogenetic location: 11q23.3.
Variant type: single nucleotide variant.
Coding change: c.178T>G on transcript NM_005188.4 (MANE Select); coding-DNA position 178, T replaced by G.
Protein change: p.Trp60Gly; replaces tryptophan 60 with glycine.
Molecular consequence: missense variant.
Genome position (GRCh38, 1-based): chr11:119,206,595, T>G. VCF-style: chr11-119206595-T-G. GRCh37 (hg19) VCF-style: chr11-119077305-T-G.
Other names: short protein forms W60G.
Identifiers: ClinVar variation 4690118 (VCV004690118.1).